The following is an entry in ClinVar:

NM_000142.5(FGFR3):c.560C>A (p.Ser187Tyr)

Gene: FGFR3 (fibroblast growth factor receptor 3; plus strand). Cytogenetic location: 4p16.3.
Variant type: single nucleotide variant.
Coding change: c.560C>A on transcript NM_000142.5 (MANE Select); coding-DNA position 560, C replaced by A.
Protein change: p.Ser187Tyr; replaces serine 187 with tyrosine.
Molecular consequence: missense variant. On other transcripts: non-coding transcript variant (1).
Genome position (GRCh38, 1-based): chr4:1,801,481, C>A. VCF-style: chr4-1801481-C-A. GRCh37 (hg19) VCF-style: chr4-1803208-C-A.
Other names: c.560C>A, p.Ser187Tyr (NM_001163213.2, NM_001354809.2, NM_001354810.2 and 1 more transcripts); short protein forms S187Y.
Identifiers: ClinVar variation 1680015 (VCV001680015.6), dbSNP rs767900565, ClinGen allele CA2809868.

ClinVar aggregate classification (germline): Uncertain significance (1 of 4 stars; one submission).

Allele frequency attached by ClinVar (database versions not stated): gnomAD exomes 0.00003; ExAC 0.00006; gnomAD 0.00006; TOPMed 0.00007.
gnomAD v4.1: 59 of 1,557,146 alleles (0.0038%); highest among the groups gnomAD compares: Non-Finnish European, 0.0044%; no homozygotes.

Submission:

Labcorp Genetics (formerly Invitae), Labcorp
Classification: Uncertain significance. Last evaluated: 2024-10-07. Review status: criteria provided, single submitter. Criteria: Invitae Variant Classification Sherloc (09022015). Collection method: clinical testing. Allele origin: germline.
Comment: This sequence change replaces serine, which is neutral and polar, with tyrosine, which is neutral and polar, at codon 187 of the FGFR3 protein (p.Ser187Tyr). This variant is present in population databases (rs767900565, gnomAD 0.008%). This variant has not been reported in the literature in individuals affected with FGFR3-related conditions. ClinVar contains an entry for this variant (Variation ID: 1680015). Invitae Evidence Modeling of protein sequence and biophysical properties (such as structural, functional, and spatial information, amino acid conservation, physicochemical variation, residue mobility, and thermodynamic stability) indicates that this missense variant is not expected to disrupt FGFR3 protein function with a negative predictive value of 95%. In summary, the available evidence is currently insufficient to determine the role of this variant in disease. Therefore, it has been classified as a Variant of Uncertain Significance.